The following is an entry in ClinVar:

NM_018275.5(TRAPPC14):c.550G>A (p.Val184Ile)

Gene: TRAPPC14 (trafficking protein particle complex subunit 14; minus strand). Cytogenetic location: 7q22.1.
Variant type: single nucleotide variant.
Coding change: c.550G>A on transcript NM_018275.5 (MANE Select); coding-DNA position 550, G replaced by A.
Protein change: p.Val184Ile; replaces valine 184 with isoleucine.
Molecular consequence: missense variant. On other transcripts: 5 prime UTR variant (1).
Genome position (GRCh38, 1-based): chr7:100,157,720, C>T on the plus strand (G>A on the coding strand, the complement: TRAPPC14 is on the minus strand). VCF-style: chr7-100157720-C-T. GRCh37 (hg19) VCF-style: chr7-99755343-C-T.
Other names: c.-258G>A (NM_001303470.2); c.550G>A (NM_018275.4); short protein forms V184I.
Identifiers: ClinVar variation 2657741 (VCV002657741.25), dbSNP rs117793118, ClinGen allele CA4377013.

ClinVar aggregate classification (germline): Likely benign. Review status: criteria provided, single submitter (1 of 4 stars). 2 submissions from 2 submitters: Likely benign (1). 1 of the submissions does not count toward it. Last evaluated 2026-03-01.

Conditions:
TRAPPC14-related disorder. Also called: TRAPPC14-related condition.

Allele frequency attached by ClinVar (database versions not stated): 1000 Genomes Project 0.00260; 1000 Genomes Project 30x 0.00312; gnomAD 0.00314; TOPMed 0.00322; ExAC 0.00358; ESP Exome Variant Server 0.00408.
gnomAD v4.1: 7,610 of 1,614,222 alleles (0.47%); highest among the groups gnomAD compares: South Asian, 0.72%; 32 homozygotes.

Submissions (2):

CeGaT Center for Human Genetics Tuebingen
Classification: Likely benign. Last evaluated: 2026-03-01. Review status: criteria provided, single submitter. Criteria: CeGaT Center For Human Genetics Tuebingen Variant Classification Criteria Version 2. Collection method: clinical testing. Allele origin: germline. Affected: yes. Observed: 4 variant alleles.
Comment: TRAPPC14: BP4, BS2

PreventionGenetics, part of Exact Sciences
Classification: Benign for TRAPPC14-related condition. Last evaluated: 2019-09-25. Review status: no assertion criteria provided. Collection method: clinical testing. Allele origin: germline. Not counted in ClinVar's aggregate classification.
Comment: This variant is classified as benign based on ACMG/AMP sequence variant interpretation guidelines (Richards et al. 2015 PMID: 25741868, with internal and published modifications).